The following is an entry in ClinVar:

ClinVar aggregate classification (germline): Uncertain significance. Review status: criteria provided, multiple submitters, no conflicts (2 of 4 stars). 3 submissions from 3 submitters: Uncertain significance (3). Last evaluated 2025-12-01.

Conditions:
Hereditary cancer-predisposing syndrome. Also called: Neoplastic Syndromes, Hereditary; Tumor predisposition; Hereditary Cancer Syndrome; Hereditary neoplastic syndrome. Identifiers: Orphanet 140162, MedGen C0027672, MeSH D009386, MONDO:0015356.
Familial cancer of breast. Also called: BREAST CANCER, FAMILIAL; Hereditary breast cancer; hereditary breast carcinoma. Identifiers: Orphanet 227535, MedGen C0346153, MONDO:0016419, OMIM 114480. Disease mechanism: loss of function.

Submissions (3):

Labcorp Genetics (formerly Invitae), Labcorp
Classification: Uncertain significance for Familial cancer of breast. Last evaluated: 2025-12-01. Review status: criteria provided, single submitter. Criteria: Invitae Variant Classification Sherloc (09022015). Collection method: clinical testing. Allele origin: germline.
Comment: This sequence change replaces aspartic acid, which is acidic and polar, with alanine, which is neutral and non-polar, at codon 293 of the CHEK2 protein (p.Asp293Ala). This variant is not present in population databases (gnomAD no frequency). This variant has not been reported in the literature in individuals affected with CHEK2-related conditions. ClinVar contains an entry for this variant (Variation ID: 483371). An algorithm developed to predict the effect of missense changes on protein structure and function (PolyPhen-2) suggests that this variant is likely to be tolerated. In summary, the available evidence is currently insufficient to determine the role of this variant in disease. Therefore, it has been classified as a Variant of Uncertain Significance.

Ambry Genetics
Classification: Uncertain significance for Hereditary cancer-predisposing syndrome. Last evaluated: 2023-07-30. Review status: criteria provided, single submitter. Criteria: Ambry Variant Classification Scheme 2023. Collection method: clinical testing. Allele origin: germline.
Comment: The p.D293A variant (also known as c.878A>C), located in coding exon 7 of the CHEK2 gene, results from an A to C substitution at nucleotide position 878. The aspartic acid at codon 293 is replaced by alanine, an amino acid with dissimilar properties. This amino acid position is not well conserved in available vertebrate species. In addition, the in silico prediction for this alteration is inconclusive. Since supporting evidence is limited at this time, the clinical significance of this alteration remains unclear.

Quest Diagnostics Nichols Institute San Juan Capistrano
Classification: Uncertain significance. Last evaluated: 2020-08-02. Review status: criteria provided, single submitter. Criteria: Quest Diagnostics criteria. Collection method: clinical testing. Allele origin: unknown.

NM_007194.4(CHEK2):c.878A>C (p.Asp293Ala)

Gene: CHEK2 (checkpoint kinase 2; minus strand). Cytogenetic location: 22q12.1.
Variant type: single nucleotide variant.
Coding change: c.878A>C on transcript NM_007194.4 (MANE Select); coding-DNA position 878, A replaced by C.
Protein change: p.Asp293Ala; replaces aspartic acid 293 with alanine.
Molecular consequence: missense variant.
Genome position (GRCh38, 1-based): chr22:28,703,535, T>G on the plus strand (A>C on the coding strand, the complement: CHEK2 is on the minus strand). VCF-style: chr22-28703535-T-G. GRCh37 (hg19) VCF-style: chr22-29099523-T-G.
Other names: c.1007A>C, p.Asp336Ala (NM_001005735.3); c.215A>C, p.Asp72Ala (NM_001257387.3); c.677A>C, p.Asp226Ala (NM_001349956.3); c.878A>C, p.Asp293Ala (NM_145862.3); short protein forms D293A, D226A, D72A, D336A.
Identifiers: ClinVar variation 483371 (VCV000483371.15), dbSNP rs932236548, ClinGen allele CA411101141.